The following is an entry in ClinVar:

ClinVar aggregate classification (germline): Pathogenic (1 of 4 stars; one submission).

Conditions:
Cerebral creatine deficiency syndrome. Also called: Creatine deficiency syndromes. Identifiers: Orphanet 79172, MedGen C5244016, MONDO:0000456.

Submission:

Labcorp Genetics (formerly Invitae), Labcorp
Classification: Pathogenic for Cerebral creatine deficiency syndrome. Last evaluated: 2024-12-12. Review status: criteria provided, single submitter. Criteria: Invitae Variant Classification Sherloc (09022015). Collection method: clinical testing. Allele origin: germline.
Comment: This sequence change creates a premature translational stop signal (p.Thr32Hisfs*53) in the GAMT gene. It is expected to result in an absent or disrupted protein product. Loss-of-function variants in GAMT are known to be pathogenic (PMID: 15108290). This variant is not present in population databases (gnomAD no frequency). This variant has not been reported in the literature in individuals affected with GAMT-related conditions. For these reasons, this variant has been classified as Pathogenic.

Literature cited by the submitters: PubMed 15108290.

NM_000156.6(GAMT):c.93dup (p.Thr32fs)

Genes: GAMT (guanidinoacetate N-methyltransferase; minus strand), LOC130062945 (ATAC-STARR-seq lymphoblastoid silent region 9707; plus strand). Cytogenetic location: 19p13.3.
Variant type: Duplication.
Coding change: c.93dup on transcript NM_000156.6 (MANE Select); coding-DNA position 93, one base duplicated (C; older notation c.93dupC).
Protein change: p.Thr32fs; shifts the reading frame from threonine 32.
Molecular consequence: frameshift variant.
Genome position (GRCh38, 1-based): chr19:1,401,384, G duplicated on the plus strand (C on the coding strand, the reverse complement: GAMT is on the minus strand). VCF-style (leftmost placement, unchanged base first): chr19-1401383-T-TG. GRCh37 (hg19) VCF-style: chr19-1401382-T-TG.
Other names: c.93dup, p.Thr32fs (NM_138924.3); short protein forms T32fs.
Identifiers: ClinVar variation 3727151 (VCV003727151.2).
Genomic context (GRCh38, chr19:1,401,383, plus strand): 5'-CGTGCATATAGGGGGTCTCCCAGCGCTCCATCACCGGCTTGCCCAGGATGCGCAGGTGCG[T>TG]GTCCGCTGCGTCGTAGGCCGCGGGCGCCGCCCCCCACGCGGGGCTGCAGTTCTCGCCGGG-3'